The following is an entry in ClinVar:

ClinVar aggregate classification (germline): Uncertain significance (1 of 4 stars; one submission).

Conditions:
Amyotrophic lateral sclerosis type 4 (ALS4). Also called: NEURONOPATHY, DISTAL HEREDITARY MOTOR, WITH PYRAMIDAL FEATURES; AMYOTROPHIC LATERAL SCLEROSIS 4, JUVENILE. Identifiers: Orphanet 357043, MedGen C1865409, MONDO:0011223, OMIM 602433.
Spinocerebellar ataxia, autosomal recessive, with axonal neuropathy 2 (SCAN2). Also called: Ataxia-ocular apraxia-2; Ataxia with Oculomotor Apraxia; Ataxia with Oculomotor Apraxia Type 2; ATAXIA-OCULOMOTOR APRAXIA 2. Identifiers: Orphanet 64753, MedGen C1853761, MONDO:0018996, OMIM 606002.

Submission:

Labcorp Genetics (formerly Invitae), Labcorp
Classification: Uncertain significance for Amyotrophic lateral sclerosis type 4; Spinocerebellar ataxia, autosomal recessive, with axonal neuropathy 2. Last evaluated: 2022-05-31. Review status: criteria provided, single submitter. Criteria: Invitae Variant Classification Sherloc (09022015). Collection method: clinical testing. Allele origin: germline.
Comment: Variants that disrupt the consensus splice site are a relatively common cause of aberrant splicing (PMID: 17576681, 9536098). Algorithms developed to predict the effect of sequence changes on RNA splicing suggest that this variant may disrupt the consensus splice site. This sequence change falls in intron 15 of the SETX gene. It does not directly change the encoded amino acid sequence of the SETX protein. It affects a nucleotide within the consensus splice site. This variant is not present in population databases (gnomAD no frequency). This variant has not been reported in the literature in individuals affected with SETX-related conditions. In summary, the available evidence is currently insufficient to determine the role of this variant in disease. Therefore, it has been classified as a Variant of Uncertain Significance.

Literature cited by the submitters: PubMed 17576681; PubMed 9536098.

NM_015046.7(SETX):c.6107-3C>T

Gene: SETX (senataxin; minus strand). Cytogenetic location: 9q34.13.
Variant type: single nucleotide variant.
Coding change: c.6107-3C>T on transcript NM_015046.7 (MANE Select); 3 bases into the intron before coding-DNA position 6107, C replaced by T.
Molecular consequence: intron variant.
Genome position (GRCh38, 1-based): chr9:132,288,654, G>A on the plus strand (C>T on the coding strand, the complement: SETX is on the minus strand). VCF-style: chr9-132288654-G-A. GRCh37 (hg19) VCF-style: chr9-135164041-G-A.
Other names: c.6107-3C>T (NM_001351528.2, NM_001351527.2).
Identifiers: ClinVar variation 1996879 (VCV001996879.4), dbSNP rs2538933126, ClinGen allele CA2580079872.